The following is an entry in ClinVar:

ClinVar aggregate classification (germline): Uncertain significance (1 of 4 stars; one submission).

gnomAD v4.1: 9 of 1,614,034 alleles (0.00056%); highest among the groups gnomAD compares: Middle Eastern, 0.016%; no homozygotes.

Submission:

Labcorp Genetics (formerly Invitae), Labcorp
Classification: Uncertain significance. Last evaluated: 2024-06-04. Review status: criteria provided, single submitter. Criteria: Invitae Variant Classification Sherloc (09022015). Collection method: clinical testing. Allele origin: germline.
Comment: This sequence change replaces alanine, which is neutral and non-polar, with threonine, which is neutral and polar, at codon 1507 of the DNAH9 protein (p.Ala1507Thr). This variant is present in population databases (rs756554768, gnomAD 0.02%). This variant has not been reported in the literature in individuals affected with DNAH9-related conditions. Advanced modeling of protein sequence and biophysical properties (such as structural, functional, and spatial information, amino acid conservation, physicochemical variation, residue mobility, and thermodynamic stability) performed at Invitae indicates that this missense variant is not expected to disrupt DNAH9 protein function with a negative predictive value of 80%. In summary, the available evidence is currently insufficient to determine the role of this variant in disease. Therefore, it has been classified as a Variant of Uncertain Significance.

NM_001372.4(DNAH9):c.4519G>A (p.Ala1507Thr)

Gene: DNAH9 (dynein axonemal heavy chain 9; plus strand). Cytogenetic location: 17p12.
Variant type: single nucleotide variant.
Coding change: c.4519G>A on transcript NM_001372.4 (MANE Select); coding-DNA position 4519, G replaced by A.
Protein change: p.Ala1507Thr; replaces alanine 1507 with threonine.
Molecular consequence: missense variant.
Genome position (GRCh38, 1-based): chr17:11,690,341, G>A. VCF-style: chr17-11690341-G-A. GRCh37 (hg19) VCF-style: chr17-11593658-G-A.
Other names: short protein forms A1507T.
Identifiers: ClinVar variation 3614675 (VCV003614675.1).